The following is an entry in ClinVar:

NM_001009944.3(PKD1):c.12263T>G (p.Val4088Gly)

Gene: PKD1 (polycystin 1, transient receptor potential channel interacting; minus strand). Cytogenetic location: 16p13.3.
Variant type: single nucleotide variant.
Coding change: c.12263T>G on transcript NM_001009944.3 (MANE Select); coding-DNA position 12263, T replaced by G.
Protein change: p.Val4088Gly; replaces valine 4088 with glycine.
Molecular consequence: missense variant.
Genome position (GRCh38, 1-based): chr16:2,090,466, A>C on the plus strand (T>G on the coding strand, the complement: PKD1 is on the minus strand). VCF-style: chr16-2090466-A-C. GRCh37 (hg19) VCF-style: chr16-2140467-A-C.
Other names: c.12260T>G, p.Val4087Gly (NM_000296.4); c.12260T>G (NM_000296.3); short protein forms V4087G, V4088G.
Identifiers: ClinVar variation 1310910 (VCV001310910.4), dbSNP rs1201701234, ClinGen allele CA394325908.

ClinVar aggregate classification (germline): Uncertain significance. Review status: criteria provided, multiple submitters, no conflicts (2 of 4 stars). 2 submissions from 2 submitters: Uncertain significance (2). Last evaluated 2023-07-19.

Conditions:
Inborn genetic diseases. Identifiers: MedGen C0950123, MeSH D030342.

Allele frequency attached by ClinVar (database versions not stated): gnomAD exomes below 0.00001 and 0.00001; TOPMed 0.00001.

Submissions (2):

Ambry Genetics
Classification: Uncertain significance for Inborn genetic diseases. Last evaluated: 2023-07-19. Review status: criteria provided, single submitter. Criteria: Ambry Variant Classification Scheme 2023. Collection method: clinical testing. Allele origin: germline.

GeneDx
Classification: Uncertain significance. Last evaluated: 2019-12-27. Review status: criteria provided, single submitter. Criteria: GeneDx Variant Classification Process June 2021. Collection method: clinical testing. Allele origin: germline. Affected: yes.
Comment: Not observed at a significant frequency in large population cohorts (Lek et al., 2016); In silico analysis, which includes protein predictors and evolutionary conservation, supports that this variant does not alter protein structure/function; Has not been previously published as pathogenic or benign to our knowledge